The following is an entry in ClinVar:

NM_000257.4(MYH7):c.2884G>A (p.Ala962Thr)

Gene: MYH7 (myosin heavy chain 7; minus strand). Cytogenetic location: 14q11.2.
Variant type: single nucleotide variant.
Coding change: c.2884G>A on transcript NM_000257.4 (MANE Select); coding-DNA position 2884, G replaced by A.
Protein change: p.Ala962Thr; replaces alanine 962 with threonine.
Molecular consequence: missense variant.
Genome position (GRCh38, 1-based): chr14:23,423,945, C>T on the plus strand (G>A on the coding strand, the complement: MYH7 is on the minus strand). VCF-style: chr14-23423945-C-T. GRCh37 (hg19) VCF-style: chr14-23893154-C-T.
Other names: c.2884G>A, p.Ala962Thr (NM_001407004.1); short protein forms A962T.
Identifiers: ClinVar variation 5000708 (VCV005000708.1).

ClinVar aggregate classification (germline): Uncertain significance (1 of 4 stars; one submission).

Conditions:
MYH7-related disorder. Also called: MYH7-related disorders; MYH7-related condition; MYH7-related disease.

Submission:

PreventionGenetics, part of Exact Sciences
Classification: Uncertain significance for MYH7-related condition. Last evaluated: 2026-04-07. Review status: criteria provided, single submitter. Criteria: ACMG Guidelines, 2015. Collection method: clinical testing. Allele origin: germline.
Comment: The MYH7 c.2884G>A variant is predicted to result in the amino acid substitution p.Ala962Thr. To our knowledge, this variant has not been reported in the literature or in a large population database (gnomAD), indicating this variant is rare. An alternate missense change at the same amino acid position (p.Ala962Asp) has been reported in an individual with hypertrophic cardiomyopathy (Zigova et al. 2018. PubMed ID: 28815794). At this time, the clinical significance of this variant is uncertain due to the absence of conclusive functional and genetic evidence.